The following is an entry in ClinVar:

NM_001161352.2(KCNMA1):c.1213A>T (p.Ser405Cys)

Gene: KCNMA1 (potassium calcium-activated channel subfamily M alpha 1; minus strand). Cytogenetic location: 10q22.3.
Variant type: single nucleotide variant.
Coding change: c.1213A>T on transcript NM_001161352.2 (MANE Select); coding-DNA position 1213, A replaced by T.
Protein change: p.Ser405Cys; replaces serine 405 with cysteine.
Molecular consequence: missense variant.
Genome position (GRCh38, 1-based): chr10:77,108,491, T>A on the plus strand (A>T on the coding strand, the complement: KCNMA1 is on the minus strand). VCF-style: chr10-77108491-T-A. GRCh37 (hg19) VCF-style: chr10-78868249-T-A.
Other names: c.1213A>T, p.Ser405Cys (NM_001014797.3, NM_001161353.2, NM_001271519.2 and 8 more transcripts); c.1051A>T, p.Ser351Cys (NM_001271518.2); c.673A>T, p.Ser225Cys (NM_001322838.2); short protein forms S225C, S405C, S351C.
Identifiers: ClinVar variation 2005246 (VCV002005246.4), dbSNP rs2551109670, ClinGen allele CA377408582.

ClinVar aggregate classification (germline): Uncertain significance (1 of 4 stars; one submission).

Conditions:
Generalized epilepsy-paroxysmal dyskinesia syndrome (PNKD3). Also called: Paroxysmal nonkinesigenic dyskinesia, 3, with or without generalized epilepsy; Generalized epilepsy and paroxysmal dyskinesia. Identifiers: Orphanet 79137, MedGen C5574945, MONDO:0012276, OMIM 609446.

Submission:

Labcorp Genetics (formerly Invitae), Labcorp
Classification: Uncertain significance for Generalized epilepsy-paroxysmal dyskinesia syndrome. Last evaluated: 2022-06-12. Review status: criteria provided, single submitter. Criteria: Invitae Variant Classification Sherloc (09022015). Collection method: clinical testing. Allele origin: germline.
Comment: In summary, the available evidence is currently insufficient to determine the role of this variant in disease. Therefore, it has been classified as a Variant of Uncertain Significance. Algorithms developed to predict the effect of missense changes on protein structure and function are either unavailable or do not agree on the potential impact of this missense change (SIFT: "Deleterious"; PolyPhen-2: "Possibly Damaging"; Align-GVGD: "Class C15"). This variant has not been reported in the literature in individuals affected with KCNMA1-related conditions. This variant is not present in population databases (gnomAD no frequency). This sequence change replaces serine, which is neutral and polar, with cysteine, which is neutral and slightly polar, at codon 405 of the KCNMA1 protein (p.Ser405Cys).